The following continues an entry in ClinVar:

NM_024608.4(NEIL1):c.434+2T>C

Gene: NEIL1. ClinVar aggregate classification (germline): Benign/Likely benign. Benign (2); Likely benign (2).

Submissions 34 to 65 of 65:

Dr. Peter K. Rogan Lab, Western University
No classification provided (evidence only). Condition: Cervical cancer. Review status: no classification provided. Collection method: in vitro. Allele origin: not applicable. Functional consequence: retained intron. Not counted in ClinVar's aggregate classification.

Dr. Peter K. Rogan Lab, Western University
No classification provided (evidence only). Condition: Cervical cancer. Review status: no classification provided. Collection method: in vitro. Allele origin: not applicable. Functional consequence: retained intron. Not counted in ClinVar's aggregate classification.

Dr. Peter K. Rogan Lab, Western University
No classification provided (evidence only). Condition: Cervical cancer. Review status: no classification provided. Collection method: in vitro. Allele origin: not applicable. Functional consequence: retained intron. Not counted in ClinVar's aggregate classification.

Dr. Peter K. Rogan Lab, Western University
No classification provided (evidence only). Condition: Cervical cancer. Review status: no classification provided. Collection method: in vitro. Allele origin: not applicable. Functional consequence: retained intron. Not counted in ClinVar's aggregate classification.

Dr. Peter K. Rogan Lab, Western University
No classification provided (evidence only). Condition: Cervical cancer. Review status: no classification provided. Collection method: in vitro. Allele origin: not applicable. Functional consequence: retained intron. Not counted in ClinVar's aggregate classification.

Dr. Peter K. Rogan Lab, Western University
No classification provided (evidence only). Condition: Cervical cancer. Review status: no classification provided. Collection method: in vitro. Allele origin: not applicable. Functional consequence: retained intron. Not counted in ClinVar's aggregate classification.

Dr. Peter K. Rogan Lab, Western University
No classification provided (evidence only). Condition: Cervical cancer. Review status: no classification provided. Collection method: in vitro. Allele origin: not applicable. Functional consequence: retained intron. Not counted in ClinVar's aggregate classification.

Dr. Peter K. Rogan Lab, Western University
No classification provided (evidence only). Condition: Sarcoma. Review status: no classification provided. Collection method: in vitro. Allele origin: not applicable. Functional consequence: retained intron. Not counted in ClinVar's aggregate classification.

Dr. Peter K. Rogan Lab, Western University
No classification provided (evidence only). Condition: Sarcoma. Review status: no classification provided. Collection method: in vitro. Allele origin: not applicable. Functional consequence: retained intron. Not counted in ClinVar's aggregate classification.

Dr. Peter K. Rogan Lab, Western University
No classification provided (evidence only). Condition: Sarcoma. Review status: no classification provided. Collection method: in vitro. Allele origin: not applicable. Functional consequence: retained intron. Not counted in ClinVar's aggregate classification.

Dr. Peter K. Rogan Lab, Western University
No classification provided (evidence only). Condition: Sarcoma. Review status: no classification provided. Collection method: in vitro. Allele origin: not applicable. Functional consequence: retained intron. Not counted in ClinVar's aggregate classification.

Dr. Peter K. Rogan Lab, Western University
No classification provided (evidence only). Condition: Sarcoma. Review status: no classification provided. Collection method: in vitro. Allele origin: not applicable. Functional consequence: retained intron. Not counted in ClinVar's aggregate classification.

Dr. Peter K. Rogan Lab, Western University
No classification provided (evidence only). Condition: Sarcoma. Review status: no classification provided. Collection method: in vitro. Allele origin: not applicable. Functional consequence: retained intron. Not counted in ClinVar's aggregate classification.

Dr. Peter K. Rogan Lab, Western University
No classification provided (evidence only). Condition: Hepatocellular carcinoma. Review status: no classification provided. Collection method: in vitro. Allele origin: not applicable. Functional consequence: retained intron. Not counted in ClinVar's aggregate classification.

Dr. Peter K. Rogan Lab, Western University
No classification provided (evidence only). Condition: Hepatocellular carcinoma. Review status: no classification provided. Collection method: in vitro. Allele origin: not applicable. Functional consequence: retained intron. Not counted in ClinVar's aggregate classification.

Dr. Peter K. Rogan Lab, Western University
No classification provided (evidence only). Condition: Hepatocellular carcinoma. Review status: no classification provided. Collection method: in vitro. Allele origin: not applicable. Functional consequence: retained intron. Not counted in ClinVar's aggregate classification.

Dr. Peter K. Rogan Lab, Western University
No classification provided (evidence only). Condition: Nonpapillary renal cell carcinoma. Review status: no classification provided. Collection method: in vitro. Allele origin: not applicable. Functional consequence: retained intron. Not counted in ClinVar's aggregate classification.

Dr. Peter K. Rogan Lab, Western University
No classification provided (evidence only). Condition: Nonpapillary renal cell carcinoma. Review status: no classification provided. Collection method: in vitro. Allele origin: not applicable. Functional consequence: retained intron. Not counted in ClinVar's aggregate classification.

Dr. Peter K. Rogan Lab, Western University
No classification provided (evidence only). Condition: Thymoma. Review status: no classification provided. Collection method: in vitro. Allele origin: not applicable. Functional consequence: retained intron. Not counted in ClinVar's aggregate classification.

Dr. Peter K. Rogan Lab, Western University
No classification provided (evidence only). Condition: Thymoma. Review status: no classification provided. Collection method: in vitro. Allele origin: not applicable. Functional consequence: retained intron. Not counted in ClinVar's aggregate classification.

Dr. Peter K. Rogan Lab, Western University
No classification provided (evidence only). Condition: Thymoma. Review status: no classification provided. Collection method: in vitro. Allele origin: not applicable. Functional consequence: retained intron. Not counted in ClinVar's aggregate classification.

Dr. Peter K. Rogan Lab, Western University
No classification provided (evidence only). Condition: Cholangiocarcinoma. Review status: no classification provided. Collection method: in vitro. Allele origin: not applicable. Functional consequence: retained intron. Not counted in ClinVar's aggregate classification.

Dr. Peter K. Rogan Lab, Western University
No classification provided (evidence only). Condition: Ovarian serous cystadenocarcinoma. Review status: no classification provided. Collection method: in vitro. Allele origin: not applicable. Functional consequence: retained intron. Not counted in ClinVar's aggregate classification.

Dr. Peter K. Rogan Lab, Western University
No classification provided (evidence only). Condition: Ovarian serous cystadenocarcinoma. Review status: no classification provided. Collection method: in vitro. Allele origin: not applicable. Functional consequence: retained intron. Not counted in ClinVar's aggregate classification.

Dr. Peter K. Rogan Lab, Western University
No classification provided (evidence only). Condition: Ovarian serous cystadenocarcinoma. Review status: no classification provided. Collection method: in vitro. Allele origin: not applicable. Functional consequence: retained intron. Not counted in ClinVar's aggregate classification.

Dr. Peter K. Rogan Lab, Western University
No classification provided (evidence only). Condition: Ovarian serous cystadenocarcinoma. Review status: no classification provided. Collection method: in vitro. Allele origin: not applicable. Functional consequence: retained intron. Not counted in ClinVar's aggregate classification.

Dr. Peter K. Rogan Lab, Western University
No classification provided (evidence only). Condition: Gastric cancer. Review status: no classification provided. Collection method: in vitro. Allele origin: not applicable. Functional consequence: retained intron. Not counted in ClinVar's aggregate classification.

Dr. Peter K. Rogan Lab, Western University
No classification provided (evidence only). Condition: Adrenocortical carcinoma, hereditary. Review status: no classification provided. Collection method: in vitro. Allele origin: not applicable. Functional consequence: retained intron. Not counted in ClinVar's aggregate classification.

Dr. Peter K. Rogan Lab, Western University
No classification provided (evidence only). Condition: Uterine carcinosarcoma. Review status: no classification provided. Collection method: in vitro. Allele origin: not applicable. Functional consequence: retained intron. Not counted in ClinVar's aggregate classification.

Dr. Peter K. Rogan Lab, Western University
No classification provided (evidence only). Condition: Uterine carcinosarcoma. Review status: no classification provided. Collection method: in vitro. Allele origin: not applicable. Functional consequence: retained intron. Not counted in ClinVar's aggregate classification.

Dr. Peter K. Rogan Lab, Western University
No classification provided (evidence only). Condition: Uveal melanoma. Review status: no classification provided. Collection method: in vitro. Allele origin: not applicable. Functional consequence: retained intron. Not counted in ClinVar's aggregate classification.

Dr. Peter K. Rogan Lab, Western University
No classification provided (evidence only). Condition: Malignant tumor of esophagus. Review status: no classification provided. Collection method: in vitro. Allele origin: not applicable. Functional consequence: retained intron. Not counted in ClinVar's aggregate classification.